The following is an entry in ClinVar:

NM_005559.4(LAMA1):c.5467C>T (p.Gln1823Ter)

Gene: LAMA1 (laminin subunit alpha 1; minus strand). Cytogenetic location: 18p11.31.
Variant type: single nucleotide variant.
Coding change: c.5467C>T on transcript NM_005559.4 (MANE Select); coding-DNA position 5467, C replaced by T.
Protein change: p.Gln1823Ter; replaces glutamine 1823 with a stop codon.
Molecular consequence: nonsense.
Genome position (GRCh38, 1-based): chr18:6,985,556, G>A on the plus strand (C>T on the coding strand, the complement: LAMA1 is on the minus strand). VCF-style: chr18-6985556-G-A. GRCh37 (hg19) VCF-style: chr18-6985555-G-A.
Other names: short protein forms Q1823*.
Identifiers: ClinVar variation 931665 (VCV000931665.3), dbSNP rs2057730983, ClinGen allele CA401837986.

ClinVar aggregate classification (germline): Likely pathogenic (1 of 4 stars; one submission).

Conditions:
Ataxia - intellectual disability - oculomotor apraxia - cerebellar cysts syndrome. Also called: Poretti-Boltshauser syndrome. Identifiers: Orphanet 370022, MedGen C4014821, MONDO:0014419, OMIM 615960.

Submission:

Centre for Mendelian Genomics, University Medical Centre Ljubljana
Classification: Likely pathogenic for Ataxia - intellectual disability - oculomotor apraxia - cerebellar cysts syndrome. Last evaluated: 2019-08-08. Review status: criteria provided, single submitter. Criteria: ACMG Guidelines, 2015. Collection method: clinical testing. Allele origin: unknown. Affected: yes.
Comment: This variant was classified as: Likely pathogenic. The following ACMG criteria were applied in classifying this variant: PVS1,PM2.